The following is an entry in ClinVar:

ClinVar aggregate classification (germline): Uncertain significance (1 of 4 stars; one submission).

Submission:

CeGaT Center for Human Genetics Tuebingen
Classification: Uncertain significance. Last evaluated: 2022-03-01. Review status: criteria provided, single submitter. Criteria: CeGaT Center For Human Genetics Tuebingen Variant Classification Criteria Version 2. Collection method: clinical testing. Allele origin: germline. Affected: yes. Observed: 1 variant allele.
Comment: PIK3R2: PM2, BP4

NM_005027.4(PIK3R2):c.884A>G (p.Gln295Arg)

Gene: PIK3R2 (phosphoinositide-3-kinase regulatory subunit 2; plus strand). Cytogenetic location: 19p13.11.
Variant type: single nucleotide variant.
Coding change: c.884A>G on transcript NM_005027.4 (MANE Select); coding-DNA position 884, A replaced by G.
Protein change: p.Gln295Arg; replaces glutamine 295 with arginine.
Molecular consequence: missense variant. On other transcripts: non-coding transcript variant (2).
Genome position (GRCh38, 1-based): chr19:18,162,034, A>G. VCF-style: chr19-18162034-A-G. GRCh37 (hg19) VCF-style: chr19-18272844-A-G.
Other names: short protein forms Q295R.
Identifiers: ClinVar variation 1675736 (VCV001675736.33), dbSNP rs2147951524, ClinGen allele CA404806913.